The following is an entry in ClinVar:

ClinVar aggregate classification (germline): Uncertain significance (1 of 4 stars; one submission).

Conditions:
Tuberous sclerosis 2 (TSC2). Identifiers: Orphanet 805, MedGen C1860707, MONDO:0013199, OMIM 613254.

Allele frequency attached by ClinVar (database versions not stated): gnomAD exomes below 0.00001.
gnomAD v4.1: 1 of 1,612,966 alleles (0.000062%); highest among the groups gnomAD compares: African/African-American, 0.0013%; no homozygotes.

Submission:

Labcorp Genetics (formerly Invitae), Labcorp
Classification: Uncertain significance for Tuberous sclerosis 2. Last evaluated: 2022-12-22. Review status: criteria provided, single submitter. Criteria: Invitae Variant Classification Sherloc (09022015). Collection method: clinical testing. Allele origin: germline.
Comment: This sequence change replaces leucine, which is neutral and non-polar, with proline, which is neutral and non-polar, at codon 1249 of the TSC2 protein (p.Leu1249Pro). This variant is not present in population databases (gnomAD no frequency). In summary, the available evidence is currently insufficient to determine the role of this variant in disease. Therefore, it has been classified as a Variant of Uncertain Significance. Advanced modeling of protein sequence and biophysical properties (such as structural, functional, and spatial information, amino acid conservation, physicochemical variation, residue mobility, and thermodynamic stability) performed at Invitae indicates that this missense variant is not expected to disrupt TSC2 protein function. This variant has not been reported in the literature in individuals affected with TSC2-related conditions.

NM_000548.5(TSC2):c.3746T>C (p.Leu1249Pro)

Gene: TSC2 (TSC complex subunit 2; plus strand). Cytogenetic location: 16p13.3.
Variant type: single nucleotide variant.
Coding change: c.3746T>C on transcript NM_000548.5 (MANE Select); coding-DNA position 3746, T replaced by C.
Protein change: p.Leu1249Pro; replaces leucine 1249 with proline.
Molecular consequence: missense variant. On other transcripts: non-coding transcript variant (5).
Genome position (GRCh38, 1-based): chr16:2,081,730, T>C. VCF-style: chr16-2081730-T-C. GRCh37 (hg19) VCF-style: chr16-2131731-T-C.
Other names: c.3614T>C, p.Leu1205Pro (NM_001077183.3, NM_001370404.1, NM_001406665.1); c.3746T>C, p.Leu1249Pro (NM_001114382.3); c.3506T>C, p.Leu1169Pro (NM_001318827.2); c.3470T>C, p.Leu1157Pro (NM_001318829.2); c.3014T>C, p.Leu1005Pro (NM_001318831.2, NM_001406687.1, NM_001406688.1); c.3647T>C, p.Leu1216Pro (NM_001318832.2); c.3617T>C, p.Leu1206Pro (NM_001363528.2, NM_001370405.1, NM_021055.3); c.3743T>C, p.Leu1248Pro (NM_001406663.1, NM_001406664.1); and 18 more; short protein forms L1005P, L1199P, L1201P, L1202P, L1248P, L1249P, L1048P, L1049P.
Identifiers: ClinVar variation 2820930 (VCV002820930.3), dbSNP rs2151483563, ClinGen allele CA394293052.